The following is an entry in ClinVar:

ClinVar aggregate classification (germline): Uncertain significance (1 of 4 stars; one submission).

Conditions:
RASopathy. Also called: rasopathies; Noonan spectrum disorder. Identifiers: Orphanet 536391, MedGen C5555857, MONDO:0021060.

Submission:

Labcorp Genetics (formerly Invitae), Labcorp
Classification: Uncertain significance for Rasopathy. Last evaluated: 2019-03-08. Review status: criteria provided, single submitter. Criteria: Invitae Variant Classification Sherloc (09022015). Collection method: clinical testing. Allele origin: germline.
Comment: This variant is a gross deletion of the genomic region encompassing exons 4-11 of the MAP2K2 gene. The 5' boundary is likely confined to intron 3. The 3' end of this event is unknown as it extends through the termination codon beyond the assayed region for this gene and may encompass additional genes. While this deletion is not anticipated to result in nonsense mediated decay, it is expected to create a truncated protein product or disrupt mRNA translation. This variant has not been reported in the literature in individuals with MAP2K2-related conditions. In summary, the available evidence is currently insufficient to determine the role of this variant in disease. Therefore, it has been classified as a Variant of Uncertain Significance.

NC_000019.10:g.(?_4077099)_(4102463_?)del

Gene: MAP2K2 (mitogen-activated protein kinase kinase 2; minus strand). Cytogenetic location: 19p13.3.
Variant type: Deletion.
Identifiers: ClinVar variation 833444 (VCV000833444.1).